The following is an entry in ClinVar:

NM_004415.4(DSP):c.2631-14C>G

Gene: DSP (desmoplakin; plus strand). Cytogenetic location: 6p24.3.
Variant type: single nucleotide variant.
Coding change: c.2631-14C>G on transcript NM_004415.4 (MANE Select); 14 bases into the intron before coding-DNA position 2631, C replaced by G.
Molecular consequence: intron variant.
Genome position (GRCh38, 1-based): chr6:7,576,280, C>G. VCF-style: chr6-7576280-C-G. GRCh37 (hg19) VCF-style: chr6-7576513-C-G.
Other names: c.2631-14C>G (NM_001319034.2, NM_001008844.3).
Identifiers: ClinVar variation 2165858 (VCV002165858.6), dbSNP rs1050258732, ClinGen allele CA133963999.

ClinVar aggregate classification (germline): Conflicting classifications of pathogenicity. Review status: criteria provided, conflicting classifications (1 of 4 stars). 3 submissions from 3 submitters: Uncertain significance (1); Likely benign (2). Last evaluated 2023-12-18.

Conditions:
Arrhythmogenic cardiomyopathy with wooly hair and keratoderma. Also called: Dilated cardiomyopathy with woolly hair and keratoderma; Carvajal syndrome; Arrhythmogenic cardiomyopathy with woolly hair and keratoderma; PALMOPLANTAR KERATODERMA WITH LEFT VENTRICULAR CARDIOMYOPATHY AND WOOLLY HAIR. Identifiers: Orphanet 65282, MedGen C1854063, MONDO:0011581, OMIM 605676.
Arrhythmogenic right ventricular dysplasia 8 (ARVD8). Also called: Arrhythmogenic Right Ventricular Dysplasia/Cardiomyopathy 8; ARRHYTHMOGENIC RIGHT VENTRICULAR DYSPLASIA, FAMILIAL, 8; ARRHYTHMOGENIC RIGHT VENTRICULAR CARDIOMYOPATHY 8. Identifiers: MedGen C1843896, MONDO:0011831, OMIM 607450.

Allele frequency attached by ClinVar (database versions not stated): gnomAD 0.00001; TOPMed 0.00003.
gnomAD v4.1: 2 of 1,612,602 alleles (0.00012%); highest among the groups gnomAD compares: African/African-American, 0.0013%; no homozygotes.

Submissions (3):

All of Us Research Program, National Institutes of Health
Classification: Uncertain significance for Arrhythmogenic cardiomyopathy with wooly hair and keratoderma. Last evaluated: 2023-12-18. Review status: criteria provided, single submitter. Criteria: ACMG Guidelines, 2015. Collection method: clinical testing. Allele origin: germline. Inheritance: Autosomal dominant inheritance. Observed: 1 variant allele, 1 heterozygote.
Comment: This variant causes a C to G nucleotide substitution at the -14 position of intron 18 of the DSP gene. To our knowledge, functional studies have not been reported for this variant. This variant has not been reported in individuals affected with cardiovascular disorders in the literature. This variant has not been identified in the general population by the Genome Aggregation Database (gnomAD). The available evidence is insufficient to determine the role of this variant in disease conclusively. Therefore, this variant is classified as a Variant of Uncertain Significance.

This study involves interpretation of variants in research participants for the purpose of population health screening. Participant phenotype was not available at the time of variant classification. Additional details can be found in publication PMID: 35346344, PMCID: PMC8962531

Blueprint Genetics
Classification: Likely benign. Last evaluated: 2023-09-14. Review status: criteria provided, single submitter. Criteria: ACMG Guidelines, 2015. Collection method: clinical testing. Allele origin: germline.

Labcorp Genetics (formerly Invitae), Labcorp
Classification: Likely benign for Arrhythmogenic cardiomyopathy with wooly hair and keratoderma; Arrhythmogenic right ventricular dysplasia 8. Last evaluated: 2022-12-06. Review status: criteria provided, single submitter. Criteria: Invitae Variant Classification Sherloc (09022015). Collection method: clinical testing. Allele origin: germline.